The following is an entry in ClinVar:

ClinVar aggregate classification (germline): Uncertain significance. Review status: criteria provided, multiple submitters, no conflicts (2 of 4 stars). 6 submissions from 6 submitters: Uncertain significance (5). 1 of the submissions does not count toward it. Last evaluated 2025-10-16.

Conditions:
Hereditary cancer-predisposing syndrome. Also called: Neoplastic Syndromes, Hereditary; Hereditary Cancer Syndrome; Hereditary neoplastic syndrome; Tumor predisposition. Identifiers: Orphanet 140162, MedGen C0027672, MeSH D009386, MONDO:0015356.
Ataxia-telangiectasia syndrome (AT). Also called: Cerebello-oculocutaneous telangiectasia; Immunodeficiency with ataxia telangiectasia; Ataxia-telangiectasia, complementation group D; AT, COMPLEMENTATION GROUP C; ATAXIA-TELANGIECTASIA, FRESNO VARIANT; ATAXIA-TELANGIECTASIA, COMPLEMENTATION GROUP A. Identifiers: Orphanet 100, MedGen C0004135, MONDO:0008840, OMIM 208900.

Allele frequency attached by ClinVar (database versions not stated): gnomAD exomes below 0.00001.
gnomAD v4.1: 1 of 1,609,878 alleles (0.000062%); highest among the groups gnomAD compares: Non-Finnish European, 0.000085%; no homozygotes.

Submissions (6):

Ambry Genetics
Classification: Uncertain significance for Hereditary cancer-predisposing syndrome. Last evaluated: 2025-10-16. Review status: criteria provided, single submitter. Criteria: Ambry Variant Classification Scheme 2023. Collection method: clinical testing. Allele origin: germline.
Comment: The p.V630A variant (also known as c.1889T>C) is located in coding exon 11 of the ATM gene. This alteration results from a T to C substitution at nucleotide position 1889. The valine at codon 630 is replaced by alanine, an amino acid with similar properties. Based on protein sequence alignment, this amino acid position is not well conserved in available vertebrate species. In addition, this alteration is predicted to be tolerated by in silico analysis. Since supporting evidence is limited at this time, the clinical significance of p.V630A remains unclear.

Labcorp Genetics (formerly Invitae), Labcorp
Classification: Uncertain significance for Ataxia-telangiectasia syndrome. Last evaluated: 2025-10-07. Review status: criteria provided, single submitter. Criteria: Invitae Variant Classification Sherloc (09022015). Collection method: clinical testing. Allele origin: germline.
Comment: This sequence change replaces valine, which is neutral and non-polar, with alanine, which is neutral and non-polar, at codon 630 of the ATM protein (p.Val630Ala). This variant is present in population databases (rs587782226, gnomAD 0.0009%). This variant has not been reported in the literature in individuals affected with ATM-related conditions. ClinVar contains an entry for this variant (Variation ID: 142090). Invitae Evidence Modeling of protein sequence and biophysical properties (such as structural, functional, and spatial information, amino acid conservation, physicochemical variation, residue mobility, and thermodynamic stability) indicates that this missense variant is not expected to disrupt ATM protein function with a negative predictive value of 95%. In summary, the available evidence is currently insufficient to determine the role of this variant in disease. Therefore, it has been classified as a Variant of Uncertain Significance.

Quest Diagnostics Nichols Institute San Juan Capistrano
Classification: Uncertain significance. Last evaluated: 2025-06-25. Review status: criteria provided, single submitter. Criteria: Quest Diagnostics criteria. Collection method: clinical testing. Allele origin: unknown.

Color Diagnostics, LLC DBA Color Health
Classification: Uncertain significance for Hereditary cancer-predisposing syndrome. Last evaluated: 2024-03-06. Review status: criteria provided, single submitter. Criteria: ACMG Guidelines, 2015. Collection method: clinical testing. Allele origin: germline.
Comment: This missense variant replaces valine with alanine at codon 630 of the ATM protein. Computational prediction suggests that this variant may not impact protein structure and function (internally defined REVEL score threshold <= 0.5, PMID: 27666373). To our knowledge, functional studies have not been reported for this variant. This variant has not been reported in individuals affected with ATM-related disorders in the literature. This variant has been identified in 1/250524 chromosomes in the general population by the Genome Aggregation Database (gnomAD). The available evidence is insufficient to determine the role of this variant in disease conclusively. Therefore, this variant is classified as a Variant of Uncertain Significance.

GeneDx
Classification: Uncertain significance. Last evaluated: 2023-02-23. Review status: criteria provided, single submitter. Criteria: GeneDx Variant Classification Process June 2021. Collection method: clinical testing. Allele origin: germline. Affected: yes.
Comment: Not observed at significant frequency in large population cohorts (gnomAD); In silico analysis supports that this missense variant does not alter protein structure/function; Has not been previously published as pathogenic or benign to our knowledge; This variant is associated with the following publications: (PMID: 25923920)

Natera, Inc.
Classification: Uncertain significance for Ataxia-telangiectasia. Last evaluated: 2020-01-27. Review status: no assertion criteria provided. Collection method: clinical testing. Allele origin: germline. Not counted in ClinVar's aggregate classification.

NM_000051.4(ATM):c.1889T>C (p.Val630Ala)

Gene: ATM (ATM serine/threonine kinase; plus strand). Cytogenetic location: 11q22.3.
Variant type: single nucleotide variant.
Coding change: c.1889T>C on transcript NM_000051.4 (MANE Select); coding-DNA position 1889, T replaced by C.
Protein change: p.Val630Ala; replaces valine 630 with alanine.
Molecular consequence: missense variant.
Genome position (GRCh38, 1-based): chr11:108,252,903, T>C. VCF-style: chr11-108252903-T-C. GRCh37 (hg19) VCF-style: chr11-108123630-T-C.
Other names: c.1889T>C, p.Val630Ala (NM_001351834.2); short protein forms V630A.
Identifiers: ClinVar variation 142090 (VCV000142090.24), dbSNP rs587782226, ClinGen allele CA167377.